The following is an entry in ClinVar:

ClinVar aggregate classification (germline): Uncertain significance. Review status: criteria provided, multiple submitters, no conflicts (2 of 4 stars). 2 submissions from 2 submitters: Uncertain significance (2). Last evaluated 2026-07-06.

Conditions:
Hereditary breast ovarian cancer syndrome. Also called: Hereditary breast and ovarian cancer; Hereditary breast and/or ovarian cancer syndrome; Breast and ovarian cancer; Hereditary breast and ovarian cancer syndrome; Hereditary breast and ovarian cancer syndrome (HBOC); BRCA1- and BRCA2-Associated Hereditary Breast and Ovarian Cancer. Identifiers: Orphanet 145, MedGen C0677776, MeSH D061325, MONDO:0003582. Disease mechanism: loss of function.
Hereditary cancer-predisposing syndrome. Also called: Tumor predisposition; Hereditary Cancer Syndrome; Hereditary neoplastic syndrome; Neoplastic Syndromes, Hereditary. Identifiers: Orphanet 140162, MedGen C0027672, MeSH D009386, MONDO:0015356.

Submissions (2):

Ambry Genetics
Classification: Uncertain significance for Hereditary cancer-predisposing syndrome. Last evaluated: 2026-07-06. Review status: criteria provided, single submitter. Criteria: Ambry Variant Classification Scheme 2023. Collection method: clinical testing. Allele origin: germline.
Comment: The p.P1585A variant (also known as c.4753C>G), located in coding exon 14 of the BRCA1 gene, results from a C to G substitution at nucleotide position 4753. The proline at codon 1585 is replaced by alanine, an amino acid with highly similar properties. This amino acid position is conserved. In addition, the in silico prediction for this alteration is inconclusive. Based on the available evidence, the clinical significance of this variant remains unclear.

Labcorp Genetics (formerly Invitae), Labcorp
Classification: Uncertain significance for Hereditary breast ovarian cancer syndrome. Last evaluated: 2022-02-19. Review status: criteria provided, single submitter. Criteria: Invitae Variant Classification Sherloc (09022015). Collection method: clinical testing. Allele origin: germline.
Comment: This variant has not been reported in the literature in individuals affected with BRCA1-related conditions. This variant is not present in population databases (gnomAD no frequency). This sequence change replaces proline, which is neutral and non-polar, with alanine, which is neutral and non-polar, at codon 1585 of the BRCA1 protein (p.Pro1585Ala). Advanced modeling of protein sequence and biophysical properties (such as structural, functional, and spatial information, amino acid conservation, physicochemical variation, residue mobility, and thermodynamic stability) performed at Invitae indicates that this missense variant is not expected to disrupt BRCA1 protein function. In summary, the available evidence is currently insufficient to determine the role of this variant in disease. Therefore, it has been classified as a Variant of Uncertain Significance.

NM_007294.4(BRCA1):c.4753C>G (p.Pro1585Ala)

Gene: BRCA1 (BRCA1 DNA repair associated; minus strand). Cytogenetic location: 17q21.31.
Variant type: single nucleotide variant.
Coding change: c.4753C>G on transcript NM_007294.4 (MANE Select); coding-DNA position 4753, C replaced by G.
Protein change: p.Pro1585Ala; replaces proline 1585 with alanine.
Molecular consequence: missense variant. On other transcripts: non-coding transcript variant (1).
Genome position (GRCh38, 1-based): chr17:43,071,161, G>C on the plus strand (C>G on the coding strand, the complement: BRCA1 is on the minus strand). VCF-style: chr17-43071161-G-C. GRCh37 (hg19) VCF-style: chr17-41223178-G-C.
Other names: c.4540C>G, p.Pro1514Ala (NM_001407571.1, NM_001407898.1, NM_001407899.1 and 12 more transcripts); c.4819C>G, p.Pro1607Ala (NM_001407581.1, NM_001407582.1); c.4816C>G, p.Pro1606Ala (NM_001407583.1, NM_001407585.1, NM_001407587.1 and 1 more transcripts); c.4813C>G, p.Pro1605Ala (NM_001407590.1, NM_001407591.1); c.4753C>G, p.Pro1585Ala (NM_001407593.1, NM_001407594.1, NM_001407596.1 and 8 more transcripts); c.4750C>G, p.Pro1584Ala (NM_001407610.1, NM_001407611.1, NM_001407612.1 and 17 more transcripts); c.4747C>G, p.Pro1583Ala (NM_001407627.1, NM_001407628.1, NM_001407629.1 and 14 more transcripts); c.4738C>G, p.Pro1580Ala (NM_001407647.1); and 70 more; short protein forms P1289A, P1458A, P1513A, P1536A, P1541A, P1542A, P1557A, P1584A.
Identifiers: ClinVar variation 2099626 (VCV002099626.5), dbSNP rs267604892, ClinGen allele CA10592003.